The following is an entry in ClinVar:

NM_001174147.2(LMX1B):c.346_347insT (p.Ser116fs)

Gene: LMX1B (LIM homeobox transcription factor 1 beta; plus strand). Cytogenetic location: 9q33.3.
Variant type: Insertion.
Coding change: c.346_347insT on transcript NM_001174147.2 (MANE Select); coding-DNA positions 346 to 347, T inserted.
Protein change: p.Ser116fs; shifts the reading frame from serine 116.
Molecular consequence: frameshift variant.
Genome position: GRCh38 VCF-style: chr9-126690855-A-AT. GRCh37 (hg19) VCF-style: chr9-129453134-A-AT.
Other names: c.346_347insT, p.Ser116fs (NM_001174146.2, NM_002316.4); short protein forms S116fs.
Identifiers: ClinVar variation 1453005 (VCV001453005.6), dbSNP rs2118986658, ClinGen allele CA2573143934.

ClinVar aggregate classification (germline): Pathogenic (1 of 4 stars; one submission).

Submission:

Labcorp Genetics (formerly Invitae), Labcorp
Classification: Pathogenic. Last evaluated: 2021-02-03. Review status: criteria provided, single submitter. Criteria: Invitae Variant Classification Sherloc (09022015). Collection method: clinical testing. Allele origin: germline.
Comment: This variant is not present in population databases (ExAC no frequency). For these reasons, this variant has been classified as Pathogenic. This variant has not been reported in the literature in individuals with LMX1B-related conditions. This sequence change creates a premature translational stop signal (p.Ser116Metfs*32) in the LMX1B gene. It is expected to result in an absent or disrupted protein product. Loss-of-function variants in LMX1B are known to be pathogenic (PMID: 9590287, 15498463).

Literature cited by the submitters: PubMed 9590287; PubMed 15498463.